The following is an entry in ClinVar:

NM_020631.6(PLEKHG5):c.1528G>A (p.Ala510Thr)

Gene: PLEKHG5 (pleckstrin homology and RhoGEF domain containing G5; minus strand). Cytogenetic location: 1p36.31.
Variant type: single nucleotide variant.
Coding change: c.1528G>A on transcript NM_020631.6 (MANE Select); coding-DNA position 1528, G replaced by A.
Protein change: p.Ala510Thr; replaces alanine 510 with threonine.
Molecular consequence: missense variant.
Genome position (GRCh38, 1-based): chr1:6,470,749, C>T on the plus strand (G>A on the coding strand, the complement: PLEKHG5 is on the minus strand). VCF-style: chr1-6470749-C-T. GRCh37 (hg19) VCF-style: chr1-6530809-C-T.
Other names: c.1528G>A, p.Ala510Thr (NM_001042665.2, NM_001042664.2, NM_001265594.3 and 1 more transcripts); c.1639G>A, p.Ala547Thr (NM_001265592.2, NM_001042663.3); c.1735G>A, p.Ala579Thr (NM_001265593.2); short protein forms A510T, A579T, A547T.
Identifiers: ClinVar variation 836817 (VCV000836817.14), dbSNP rs1475922783, ClinGen allele CA338126320.

ClinVar aggregate classification (germline): Uncertain significance. Review status: criteria provided, multiple submitters, no conflicts (2 of 4 stars). 3 submissions from 3 submitters: Uncertain significance (3). Last evaluated 2021-08-27.

Conditions:
Neuronopathy, distal hereditary motor, autosomal recessive 4. Also called: NEUROPATHY, DISTAL HEREDITARY MOTOR, AUTOSOMAL RECESSIVE 4; Autosomal recessive lower motor neuron disease with childhood onset. Identifiers: Orphanet 206580, MedGen C1970211, MONDO:0012608, OMIM 611067.
Charcot-Marie-Tooth disease recessive intermediate C. Also called: CHARCOT-MARIE-TOOTH NEUROPATHY, RECESSIVE INTERMEDIATE C. Identifiers: Orphanet 369867, MedGen C3809309, MONDO:0014154, OMIM 615376.

Allele frequency attached by ClinVar (database versions not stated): gnomAD exomes below 0.00001; TOPMed below 0.00001.
gnomAD v4.1: 6 of 1,560,922 alleles (0.00038%); highest among the groups gnomAD compares: Non-Finnish European, 0.00052%; no homozygotes.

Submissions (3):

Labcorp Genetics (formerly Invitae), Labcorp
Classification: Uncertain significance for Neuronopathy, distal hereditary motor, autosomal recessive 4; Charcot-Marie-Tooth disease recessive intermediate C. Last evaluated: 2021-08-27. Review status: criteria provided, single submitter. Criteria: Invitae Variant Classification Sherloc (09022015). Collection method: clinical testing. Allele origin: germline.
Comment: This sequence change replaces alanine with threonine at codon 510 of the PLEKHG5 protein (p.Ala510Thr). The alanine residue is moderately conserved and there is a small physicochemical difference between alanine and threonine. This variant is not present in population databases (ExAC no frequency). This variant has not been reported in the literature in individuals affected with PLEKHG5-related conditions. Algorithms developed to predict the effect of missense changes on protein structure and function (SIFT, PolyPhen-2, Align-GVGD) all suggest that this variant is likely to be tolerated. In summary, the available evidence is currently insufficient to determine the role of this variant in disease. Therefore, it has been classified as a Variant of Uncertain Significance.

GeneDx
Classification: Uncertain significance. Last evaluated: 2019-11-27. Review status: criteria provided, single submitter. Criteria: GeneDx Variant Classification Process June 2021. Collection method: clinical testing. Allele origin: germline. Affected: yes.
Comment: In silico analysis, which includes protein predictors and evolutionary conservation, supports that this variant does not alter protein structure/function; Has not been previously published as pathogenic or benign to our knowledge

Illumina Laboratory Services, Illumina
Classification: Uncertain significance for Neuronopathy, distal hereditary motor, autosomal recessive 4. Last evaluated: 2018-01-13. Review status: criteria provided, single submitter. Criteria: ICSL Variant Classification Criteria 13 December 2019. Collection method: clinical testing. Allele origin: germline.